The following is an entry in ClinVar:

NM_004170.6(SLC1A1):c.233-8C>A

Gene: SLC1A1 (solute carrier family 1 member 1; plus strand). Cytogenetic location: 9p24.2.
Variant type: single nucleotide variant.
Coding change: c.233-8C>A on transcript NM_004170.6 (MANE Select); 8 bases into the intron before coding-DNA position 233, C replaced by A.
Molecular consequence: intron variant.
Genome position (GRCh38, 1-based): chr9:4,561,441, C>A. VCF-style: chr9-4561441-C-A. GRCh37 (hg19) VCF-style: chr9-4561441-C-A.
Identifiers: ClinVar variation 5040112 (VCV005040112.1).

ClinVar aggregate classification (germline): Uncertain significance (1 of 4 stars; one submission).

Submission:

CeGaT Center for Human Genetics Tuebingen
Classification: Uncertain significance. Last evaluated: 2026-07-01. Review status: criteria provided, single submitter. Criteria: CeGaT Center For Human Genetics Tuebingen Variant Classification Criteria Version 2. Collection method: clinical testing. Allele origin: germline. Affected: yes. Observed: 1 variant allele.
Comment: SLC1A1: PM2, BP4